The following is an entry in ClinVar:

ClinVar aggregate classification (germline): Pathogenic (1 of 4 stars; one submission).

Conditions:
3-methylcrotonyl-CoA carboxylase 1 deficiency (MCC1D). Also called: MCCD TYPE 1; METHYLCROTONYLGLYCINURIA TYPE I; MCC 1 deficiency; 3 Alpha methylcrotonylglycinuria 1. Identifiers: Orphanet 6, MedGen CN028786, MONDO:0008861, OMIM 210200.

Submission:

Labcorp Genetics (formerly Invitae), Labcorp
Classification: Pathogenic for 3-methylcrotonyl-CoA carboxylase 1 deficiency. Last evaluated: 2023-06-24. Review status: criteria provided, single submitter. Criteria: Invitae Variant Classification Sherloc (09022015). Collection method: clinical testing. Allele origin: germline.
Comment: This sequence change creates a premature translational stop signal (p.Ala235Valfs*11) in the MCCC1 gene. It is expected to result in an absent or disrupted protein product. Loss-of-function variants in MCCC1 are known to be pathogenic (PMID: 11181649, 15359379, 22642865). This variant is not present in population databases (gnomAD no frequency). This premature translational stop signal has been observed in individual(s) with 3-methylcrotonyl-CoA carboxylase deficiency (PMID: 27577216). ClinVar contains an entry for this variant (Variation ID: 643119). For these reasons, this variant has been classified as Pathogenic.

Literature cited by the submitters: PubMed 11181649; PubMed 15359379; PubMed 22642865; PubMed 27577216.

NM_020166.5(MCCC1):c.704del (p.Ala235fs)

Gene: MCCC1 (methylcrotonyl-CoA carboxylase subunit 1; minus strand). Cytogenetic location: 3q27.1.
Variant type: Deletion.
Coding change: c.704del on transcript NM_020166.5 (MANE Select); coding-DNA position 704, one base deleted (C; older notation c.704delC).
Protein change: p.Ala235fs; shifts the reading frame from alanine 235.
Molecular consequence: frameshift variant. On other transcripts: non-coding transcript variant (2).
Genome position (GRCh38, 1-based): chr3:183,071,056, G deleted on the plus strand (C on the coding strand, the reverse complement: MCCC1 is on the minus strand). VCF-style (leftmost placement, unchanged base first): chr3-183071055-AG-A. GRCh37 (hg19) VCF-style: chr3-182788843-AG-A.
Other names: c.353del, p.Ala118fs (NM_001293273.2); c.377del, p.Ala126fs (NM_001363880.1); short protein forms A235fs, A126fs, A118fs.
Identifiers: ClinVar variation 643119 (VCV000643119.8), dbSNP rs1577328234, ClinGen allele CA915941629.